The following is an entry in ClinVar:

NM_003060.4(SLC22A5):c.394-26A>G

Gene: SLC22A5 (solute carrier family 22 member 5; plus strand). Cytogenetic location: 5q31.1.
Variant type: single nucleotide variant.
Coding change: c.394-26A>G on transcript NM_003060.4 (MANE Select); 26 bases into the intron before coding-DNA position 394, A replaced by G.
Molecular consequence: intron variant.
Genome position (GRCh38, 1-based): chr5:132,378,352, A>G. VCF-style: chr5-132378352-A-G. GRCh37 (hg19) VCF-style: chr5-131714044-A-G.
Other names: c.466-26A>G (NM_001308122.2).
Identifiers: ClinVar variation 2635989 (VCV002635989.1), dbSNP rs746868506, ClinGen allele CA3403874.

ClinVar aggregate classification (germline): Uncertain significance (1 of 4 stars; one submission).

Conditions:
SLC22A5-related disorder. Also called: SLC22A5-related condition.

Allele frequency attached by ClinVar (database versions not stated): ExAC 0.00002; gnomAD exomes 0.00002; gnomAD 0.00003; TOPMed 0.00007.

Submission:

PreventionGenetics, part of Exact Sciences
Classification: Uncertain significance for SLC22A5-related condition. Last evaluated: 2022-08-25. Review status: criteria provided, single submitter. Criteria: ACMG Guidelines, 2015. Collection method: clinical testing. Allele origin: germline.
Comment: The SLC22A5 c.394-26A>G variant is predicted to interfere with splicing. However, the use of computer prediction programs is not equivalent to functional evidence. To our knowledge, this variant has not been reported in the literature. This variant is reported in 0.046% of alleles in individuals of Latino descent in gnomAD. At this time, the clinical significance of this variant is uncertain due to the absence of conclusive functional and genetic evidence.